The following is an entry in ClinVar:

ClinVar aggregate classification (germline): Uncertain significance. Review status: criteria provided, multiple submitters, no conflicts (2 of 4 stars). 4 submissions from 4 submitters: Uncertain significance (3). 1 of the submissions does not count toward it. Last evaluated 2021-10-21.

Conditions:
Autosomal recessive nonsyndromic hearing loss 77. Identifiers: Orphanet 90636, MedGen C2746083, MONDO:0013119, OMIM 613079.

Allele frequency attached by ClinVar (database versions not stated): gnomAD exomes 0.00001 and 0.00003; gnomAD 0.00003; TOPMed 0.00006; ExAC 0.00009.
gnomAD v4.1: 13 of 1,552,238 alleles (0.00084%); highest among the groups gnomAD compares: East Asian, 0.012%; no homozygotes.

Submissions (4):

Fulgent Genetics
Classification: Uncertain significance for Autosomal recessive nonsyndromic hearing loss 77. Last evaluated: 2021-10-21. Review status: criteria provided, single submitter. Criteria: ACMG Guidelines, 2015. Collection method: clinical testing. Allele origin: unknown.

Illumina Laboratory Services, Illumina
Classification: Uncertain significance for Autosomal recessive nonsyndromic hearing loss 77. Last evaluated: 2018-01-13. Review status: criteria provided, single submitter. Criteria: ICSL Variant Classification Criteria 13 December 2019. Collection method: clinical testing. Allele origin: germline.

Laboratory for Molecular Medicine, Mass General Brigham Personalized Medicine
Classification: Uncertain significance. Last evaluated: 2017-11-22. Review status: criteria provided, single submitter. Criteria: LMM Criteria. Collection method: clinical testing. Allele origin: germline. Observed: 1 variant allele.
Comment: The p.Asp93Asn variant in LOXHD1 has not been previously reported in individuals with hearing loss, but has been identified in 4/11864 East Asian chromosomes by the Genome Aggregation Database (gnomAD; dbSN P rs747038125). Although this variant has been seen in the general population, i ts frequency is not high enough to rule out a pathogenic role. Computational pre diction tools and conservation analysis suggest that the p.Asp93Asn variant may impact the protein, though this information is not predictive enough to determin e pathogenicity. In summary, the clinical significance of the p.Asp93Asn variant is uncertain. ACMG/AMP Criteria applied: PM2, PP3.

Natera, Inc.
Classification: Uncertain significance for Autosomal recessive deafness type 77. Last evaluated: 2019-10-28. Review status: no assertion criteria provided. Collection method: clinical testing. Allele origin: germline. Not counted in ClinVar's aggregate classification.

NM_001384474.1(LOXHD1):c.277G>A (p.Asp93Asn)

Gene: LOXHD1 (lipoxygenase homology PLAT domains 1; minus strand). Cytogenetic location: 18q21.1.
Variant type: single nucleotide variant.
Coding change: c.277G>A on transcript NM_001384474.1 (MANE Select); coding-DNA position 277, G replaced by A.
Protein change: p.Asp93Asn; replaces aspartic acid 93 with asparagine.
Molecular consequence: missense variant.
Genome position (GRCh38, 1-based): chr18:46,642,005, C>T on the plus strand (G>A on the coding strand, the complement: LOXHD1 is on the minus strand). VCF-style: chr18-46642005-C-T. GRCh37 (hg19) VCF-style: chr18-44221968-C-T.
Other names: c.277G>A, p.Asp93Asn (NM_144612.7); short protein forms D93N.
Identifiers: ClinVar variation 517642 (VCV000517642.11), dbSNP rs747038125, ClinGen allele CA8952940.